The following is an entry in ClinVar:

NM_000443.4(ABCB4):c.2212A>T (p.Ile738Phe)

Gene: ABCB4 (ATP binding cassette subfamily B member 4; minus strand). Cytogenetic location: 7q21.12.
Variant type: single nucleotide variant.
Coding change: c.2212A>T on transcript NM_000443.4 (MANE Select); coding-DNA position 2212, A replaced by T.
Protein change: p.Ile738Phe; replaces isoleucine 738 with phenylalanine.
Molecular consequence: missense variant.
Genome position (GRCh38, 1-based): chr7:87,422,225, T>A on the plus strand (A>T on the coding strand, the complement: ABCB4 is on the minus strand). VCF-style: chr7-87422225-T-A. GRCh37 (hg19) VCF-style: chr7-87051541-T-A.
Other names: c.2212A>T, p.Ile738Phe (NM_018849.3, NM_018850.3); short protein forms I738F.
Identifiers: ClinVar variation 4846511 (VCV004846511.1).
Genomic context (GRCh38, chr7:87,422,225, plus strand): 5'-AAATCAAAGAGAATATGTTGCACTTCTGCTGCTTCACTGCATCATCGCCTGGTCCAAAAA[T>A]CTACAAAAGAATATTTAAAACGCCCACTTGGATTACATAACTGATCCTTCTTCATTCCTC-3'
Protein context (NP_000434.1, residues 728-748): FSVIFSEIIA[Ile738Phe]FGPGDDAVKQ

ClinVar aggregate classification (germline): Uncertain significance (1 of 4 stars; one submission).

Conditions:
Familial intrahepatic cholestasis. Identifiers: Orphanet 284385, MedGen CN296401, MONDO:0017290.

Submission:

Genomenon, Inc
Classification: Uncertain significance for Familial intrahepatic cholestasis. Last evaluated: 2026-04-14. Review status: criteria provided, single submitter. Criteria: Genomenon Sequence Variant Interpretation Standards - Updated. Collection method: curation. Allele origin: germline. Affected: yes.
Comment: ABCB4 p.Ile738Phe (c.2212A>T) is a missense variant that changes the amino acid at residue 738 from Isoleucine to Phenylalanine. This variant has been observed in at least one proband with an ABCB4-related disorder (PMID:38610052;32289814). It is absent or not present at a significant frequency in gnomAD. In silico models predict that this variant is possibly or probably damaging. In conclusion, we classify ABCB4 p.Ile738Phe (c.2212A>T) as a variant of uncertain significance.

Literature cited by the submitters: PubMed 38610052; PubMed 32289814.